The following is an entry in ClinVar:

ClinVar aggregate classification (germline): Benign/Likely benign. Review status: criteria provided, multiple submitters, no conflicts (2 of 4 stars). 2 submissions from 2 submitters: Benign (1); Likely benign (1). Last evaluated 2018-01-12.

Conditions:
Distal arthrogryposis type 2B1 (DA2B1). Also called: Arthrogryposis multiplex congenita distal type II with craniofacial abnormalities. Identifiers: Orphanet 1147, MedGen C5193014, MONDO:0020820, OMIM 601680.

Allele frequency attached by ClinVar (database versions not stated): gnomAD exomes 0.00287; gnomAD 0.00349 and 0.00385; TOPMed 0.00653; 1000 Genomes Project 0.00998; 1000 Genomes Project 30x 0.01109.
gnomAD v4.1: 3,348 of 1,119,984 alleles (0.3%); highest among the groups gnomAD compares: Admixed American, 4.4%; 86 homozygotes.

Submissions (2):

Illumina Laboratory Services, Illumina
Classification: Benign for Distal arthrogryposis type 2B1. Last evaluated: 2018-01-12. Review status: criteria provided, single submitter. Criteria: ICSL Variant Classification Criteria 13 December 2019. Collection method: clinical testing. Allele origin: germline.
Comment: This variant was observed in the ICSL laboratory as part of a predisposition screen in an ostensibly healthy population. It had not been previously curated by ICSL or reported in the Human Gene Mutation Database (HGMD: prior to June 1st, 2018), and was therefore a candidate for classification through an automated scoring system. Utilizing variant allele frequency, disease prevalence and penetrance estimates, and inheritance mode, an automated score was calculated to assess if this variant is too frequent to cause the disease. Based on the score and internal cut-off values, a variant classified as benign is not then subjected to further curation. The score for this variant resulted in a classification of benign for this disease.

Breakthrough Genomics
Classification: Likely benign. Review status: criteria provided, single submitter. Criteria: ACMG Guidelines, 2015. Collection method: not provided. Allele origin: germline. Inheritance: Autosomal dominant inheritance. Affected: yes.

NM_003282.4(TNNI2):c.*94C>T

Gene: TNNI2 (troponin I2, fast skeletal type; plus strand). Cytogenetic location: 11p15.5.
Variant type: single nucleotide variant.
Coding change: c.*94C>T on transcript NM_003282.4 (MANE Select); 94 bases downstream of the stop codon, C replaced by T.
Molecular consequence: 3 prime UTR variant.
Genome position (GRCh38, 1-based): chr11:1,841,645, C>T. VCF-style: chr11-1841645-C-T. GRCh37 (hg19) VCF-style: chr11-1862875-C-T.
Other names: c.*94C>T (NM_001145829.2, NM_001145841.2).
Identifiers: ClinVar variation 303943 (VCV000303943.7), dbSNP rs117830156, ClinGen allele CA10630530.